The following is an entry in ClinVar:

ClinVar aggregate classification (germline): Uncertain significance (1 of 4 stars; one submission).

Conditions:
Lipodystrophy, partial, acquired, susceptibility to (APLD). Also called: APLD, SUSCEPTIBILITY TO. Identifiers: MedGen C3887501, MONDO:0100476, OMIM 608709.
Progressive myoclonic epilepsy type 9. Identifiers: Orphanet 457265, MedGen C4225289, MONDO:0014685, OMIM 616540.

Allele frequency attached by ClinVar (database versions not stated): gnomAD exomes below 0.00001.
gnomAD v4.1: 5 of 1,603,634 alleles (0.00031%); highest among the groups gnomAD compares: Non-Finnish European, 0.00042%; no homozygotes.

Submission:

Labcorp Genetics (formerly Invitae), Labcorp
Classification: Uncertain significance for Progressive myoclonic epilepsy type 9; Lipodystrophy, partial, acquired, susceptibility to. Last evaluated: 2022-12-06. Review status: criteria provided, single submitter. Criteria: Invitae Variant Classification Sherloc (09022015). Collection method: clinical testing. Allele origin: germline.
Comment: In summary, the available evidence is currently insufficient to determine the role of this variant in disease. Therefore, it has been classified as a Variant of Uncertain Significance. Algorithms developed to predict the effect of missense changes on protein structure and function output the following: SIFT: "Tolerated"; PolyPhen-2: "Benign"; Align-GVGD: "Class C0". The asparagine amino acid residue is found in multiple mammalian species, which suggests that this missense change does not adversely affect protein function. ClinVar contains an entry for this variant (Variation ID: 946180). This variant has not been reported in the literature in individuals affected with LMNB2-related conditions. This variant is not present in population databases (gnomAD no frequency). This sequence change replaces serine, which is neutral and polar, with asparagine, which is neutral and polar, at codon 288 of the LMNB2 protein (p.Ser288Asn).

NM_032737.4(LMNB2):c.863G>A (p.Ser288Asn)

Gene: LMNB2 (lamin B2; minus strand). Cytogenetic location: 19p13.3.
Variant type: single nucleotide variant.
Coding change: c.863G>A on transcript NM_032737.4 (MANE Select); coding-DNA position 863, G replaced by A.
Protein change: p.Ser288Asn; replaces serine 288 with asparagine.
Molecular consequence: missense variant.
Genome position (GRCh38, 1-based): chr19:2,434,906, C>T on the plus strand (G>A on the coding strand, the complement: LMNB2 is on the minus strand). VCF-style: chr19-2434906-C-T. GRCh37 (hg19) VCF-style: chr19-2434904-C-T.
Other names: short protein forms S288N.
Identifiers: ClinVar variation 946180 (VCV000946180.9), dbSNP rs1971801033, ClinGen allele CA403255066.